The following is an entry in ClinVar:

ClinVar aggregate classification (germline): Pathogenic (1 of 4 stars; one submission).

Conditions:
VPS13A-related neurodegenerative disease. Also called: ACANTHOCYTOSIS WITH NEUROLOGIC DISORDER; LEVINE-CRITCHLEY SYNDROME; Choreoacanthocytosis; Chorea-acanthocytosis; Choreaacanthocytosis; VPS13A Disease. Identifiers: Orphanet 2388, MedGen C0393576, MONDO:0008695, OMIM 200150.

Submission:

Myriad Genetics, Inc.
Classification: Pathogenic for VPS13A-related neurodegenerative disease. Last evaluated: 2023-11-16. Review status: criteria provided, single submitter. Criteria: Myriad Autosomal Dominant, Autosomal Recessive and X-Linked Classification Criteria (2023). Collection method: clinical testing. Allele origin: unknown.
Comment: NM_033305.2(VPS13A):c.1399dupT(Y467Lfs*2) is expected to be pathogenic in the context of VPS13A disease. This variant is predicted to lead to an abnormal or absent protein product due to the creation of a premature termination codon in VPS13A, a gene where loss-of-function variants are known to be pathogenic. Please note: this variant was assessed in the context of healthy population screening.

NM_033305.3(VPS13A):c.1399dup (p.Tyr467fs)

Gene: VPS13A (vacuolar protein sorting 13 homolog A; plus strand). Cytogenetic location: 9q21.2.
Variant type: Duplication.
Coding change: c.1399dup on transcript NM_033305.3 (MANE Select); coding-DNA position 1399, one base duplicated (T; older notation c.1399dupT).
Protein change: p.Tyr467fs; shifts the reading frame from tyrosine 467.
Molecular consequence: frameshift variant.
Genome position (GRCh38, 1-based): chr9:77,227,432, T duplicated. VCF-style (leftmost placement, unchanged base first): chr9-77227431-C-CT. GRCh37 (hg19) VCF-style: chr9-79842347-C-CT.
Other names: c.1399dup, p.Tyr467fs (NM_001018037.2, NM_001018038.3, NM_015186.4); short protein forms Y467fs.
Identifiers: ClinVar variation 5012491 (VCV005012491.1).